The following is an entry in ClinVar:

NM_015192.4(PLCB1):c.464+31G>T

Gene: PLCB1 (phospholipase C beta 1; plus strand). Cytogenetic location: 20p12.3.
Variant type: single nucleotide variant.
Coding change: c.464+31G>T on transcript NM_015192.4 (MANE Select); 31 bases into the intron after coding-DNA position 464, G replaced by T.
Molecular consequence: intron variant.
Genome position (GRCh38, 1-based): chr20:8,646,212, G>T. VCF-style: chr20-8646212-G-T. GRCh37 (hg19) VCF-style: chr20-8626859-G-T.
Other names: c.464+31G>T (NM_182734.3).
Identifiers: ClinVar variation 1243617 (VCV001243617.5), dbSNP rs41275582, ClinGen allele CA9759692.

ClinVar aggregate classification (germline): Benign. Review status: criteria provided, multiple submitters, no conflicts (2 of 4 stars). 3 submissions from 3 submitters: Benign (3). Last evaluated 2024-07-15.

Allele frequency attached by ClinVar (database versions not stated): TOPMed 0.12904; 1000 Genomes Project 30x 0.10587; 1000 Genomes Project 0.10703; ESP Exome Variant Server 0.13463.
gnomAD v4.1: 224,904 of 1,409,744 alleles (16%); highest among the groups gnomAD compares: Non-Finnish European, 17%; 19,177 homozygotes.

Submissions (3):

Unidad de Genómica Garrahan, Hospital de Pediatría Garrahan
Classification: Benign. Last evaluated: 2024-07-15. Review status: criteria provided, single submitter. Criteria: ACMG Guidelines, 2015. Collection method: clinical testing. Allele origin: germline. Affected: no. Observed: 21 variant alleles.
Comment: This variant is classified as Benign based on local population frequency. This variant was detected in 23% of patients studied in a panel designed for Epileptic and Developmental Encephalopathy and Progressive Myoclonus Epilepsy. Number of patients: 21. Only high quality variants are reported.

GeneDx
Classification: Benign. Last evaluated: 2020-12-01. Review status: criteria provided, single submitter. Criteria: GeneDx Variant Classification Process June 2021. Collection method: clinical testing. Allele origin: germline. Affected: yes.

Breakthrough Genomics
Classification: Benign. Review status: criteria provided, single submitter. Criteria: ACMG Guidelines, 2015. Collection method: not provided. Allele origin: germline. Inheritance: Autosomal recessive inheritance. Affected: yes.